The following is an entry in ClinVar:

ClinVar aggregate classification (germline): Uncertain significance (1 of 4 stars; one submission).

Submission:

Dasa
Classification: Uncertain significance. Last evaluated: 2024-06-18. Review status: criteria provided, single submitter. Criteria: DASA Assertion Criteria. Collection method: clinical testing. Allele origin: germline.
Comment: NM_003136.4(SRP54):c.323G>A (p.Gly108Glu) is a missense variant that results in the substitution of glycine with glutamic acid. This variant is rare in population databases. Computational prediction algorithms are consistent with a deleterious effect. The currently available literature and clinical evidence are not sufficient to establish a definitive association between this variant and the reported condition. Therefore, this variant is classified as a variant of uncertain significance.

NM_003136.4(SRP54):c.323G>A (p.Gly108Glu)

Gene: SRP54 (signal recognition particle 54; plus strand). Cytogenetic location: 14q13.2.
Variant type: single nucleotide variant.
Coding change: c.323G>A on transcript NM_003136.4 (MANE Select); coding-DNA position 323, G replaced by A.
Protein change: p.Gly108Glu; replaces glycine 108 with glutamic acid.
Molecular consequence: missense variant.
Genome position (GRCh38, 1-based): chr14:35,007,350, G>A. VCF-style: chr14-35007350-G-A. GRCh37 (hg19) VCF-style: chr14-35476556-G-A.
Other names: c.176G>A, p.Gly59Glu (NM_001146282.2); c.323G>A, p.Gly108Glu (NM_001411017.1, NM_001440813.1); short protein forms G108E, G59E.
Identifiers: ClinVar variation 4882988 (VCV004882988.2).